The following is an entry in ClinVar:

ClinVar aggregate classification (germline): Likely benign. Review status: criteria provided, multiple submitters, no conflicts (2 of 4 stars). 3 submissions from 3 submitters: Likely benign (3). Last evaluated 2023-12-31.

Conditions:
Arrhythmogenic right ventricular cardiomyopathy (ARVD). Also called: Arrhythmogenic cardiomyopathy; Cardiomyopathy, ARVC; Arrhythmogenic right ventricular dysplasia; Arrhythmogenic Right Ventricular Cardiomyopathy (ARVC). Identifiers: Orphanet 247, MedGen C0349788, MeSH D019571, MONDO:0016587. Disease mechanism: loss of function. Inheritance: Various modes of inheritance.
Cardiomyopathy (CMYO). Also called: Cardiomyopathies. Identifiers: Orphanet 167848, MedGen C0878544, MONDO:0004994, HP:0001638. Inheritance: Various modes of inheritance.
Arrhythmogenic right ventricular dysplasia 10. Also called: Arrhythmogenic Right Ventricular Dysplasia/Cardiomyopathy10; ARRHYTHMOGENIC RIGHT VENTRICULAR DYSPLASIA, FAMILIAL, 10; Arrhythmogenic right ventricular dysplasia/cardiomyopathy, type 10. Identifiers: MedGen C1857777, MONDO:0012434, OMIM 610193.

Allele frequency attached by ClinVar (database versions not stated): gnomAD exomes below 0.00001.
gnomAD v4.1: 4 of 1,614,182 alleles (0.00025%); highest among the groups gnomAD compares: Non-Finnish European, 0.00034%; no homozygotes.

Submissions (3):

Labcorp Genetics (formerly Invitae), Labcorp
Classification: Likely benign for Arrhythmogenic right ventricular dysplasia 10. Last evaluated: 2023-12-31. Review status: criteria provided, single submitter. Criteria: Invitae Variant Classification Sherloc (09022015). Collection method: clinical testing. Allele origin: germline.

All of Us Research Program, National Institutes of Health
Classification: Likely benign for Arrhythmogenic right ventricular cardiomyopathy. Last evaluated: 2023-09-17. Review status: criteria provided, single submitter. Criteria: ACMG Guidelines, 2015. Collection method: clinical testing. Allele origin: germline. Inheritance: Autosomal dominant inheritance. Observed: 1 variant allele, 1 heterozygote.
Comment: This synonymous variant does not change the amino acid sequence of the DSG2 protein. However, computational splicing tools suggest that this variant may impact RNA splicing by creating a new splice acceptor site. To our knowledge, functional assays have not been performed for this variant nor has this variant been reported in individuals affected with cardiovascular disorders in the literature. This variant has not been identified in the general population by the Genome Aggregation Database (gnomAD). Available evidence is insufficient to determine the role of this variant in disease conclusively. Therefore, this variant is classified as a Variant of Uncertain Significance.

This study involves interpretation of variants in research participants for the purpose of population health screening. Participant phenotype was not available at the time of variant classification. Additional details can be found in publication PMID: 35346344, PMCID: PMC8962531

Color Diagnostics, LLC DBA Color Health
Classification: Likely benign for Cardiomyopathy. Last evaluated: 2023-09-11. Review status: criteria provided, single submitter. Criteria: ACMG Guidelines, 2015. Collection method: clinical testing. Allele origin: germline.

NM_001943.5(DSG2):c.3174A>G (p.Gln1058=)

Genes: DSG2 (desmoglein 2; plus strand), DSG2-AS1 (DSG2 antisense RNA 1; minus strand). Cytogenetic location: 18q12.1.
Variant type: single nucleotide variant.
Coding change: c.3174A>G on transcript NM_001943.5 (MANE Select); coding-DNA position 3174, A replaced by G.
Protein change: p.Gln1058=; no amino-acid change (glutamine 1058 retained).
Molecular consequence: synonymous variant.
Genome position (GRCh38, 1-based): chr18:31,546,560, A>G. VCF-style: chr18-31546560-A-G. GRCh37 (hg19) VCF-style: chr18-29126523-A-G.
Identifiers: ClinVar variation 920275 (VCV000920275.9), dbSNP rs2073312645, ClinGen allele CA503766745.
Genomic context (GRCh38, chr18:31,546,560, plus strand): 5'-AGCAGTAGGACAGAATGTGACAGTGACAGAAAGAGTTCTAGCACCTGCTTCCACTCTGCA[A>G]TCCAGTTACCAGATTCCCACTGAAAATTCTATGACGGCTAGGAACACCACGGTGTCTGGA-3'
Protein context (NP_001934.2, residues 1048-1068): ERVLAPASTL[Gln1058=]SSYQIPTENS